The following is an entry in ClinVar:

ClinVar aggregate classification (germline): Benign. Review status: criteria provided, multiple submitters, no conflicts (2 of 4 stars). 3 submissions from 2 submitters: Benign (3). Last evaluated 2018-01-13.

Conditions:
Perry syndrome. Also called: PARKINSONISM WITH ALVEOLAR HYPOVENTILATION AND MENTAL DEPRESSION. Identifiers: Orphanet 178509, MedGen C1868594, MONDO:0008201, OMIM 168605.
Neuronopathy, distal hereditary motor, type 7B. Also called: HMN VIIB; LOWER MOTOR NEURON DISEASE, DYNACTIN TYPE; NEURONOPATHY, DISTAL HEREDITARY MOTOR, AUTOSOMAL DOMINANT 14; NEURONOPATHY, DISTAL HEREDITARY MOTOR, HARDING TYPE VIIB; NEUROPATHY, DISTAL HEREDITARY MOTOR, HARDING TYPE VIIB; NEUROPATHY, DISTAL HEREDITARY MOTOR, WITH VOCAL CORD PARALYSIS, HARDING TYPE VIIB. Identifiers: Orphanet 139589, MedGen C1843315, MONDO:0011879, OMIM 607641.

Allele frequency attached by ClinVar (database versions not stated): 1000 Genomes Project 0.01058; 1000 Genomes Project 30x 0.01077; gnomAD 0.02199 and 0.02286; TOPMed 0.02209; gnomAD exomes 0.02266 and 0.02815; ExAC 0.02272; ESP Exome Variant Server 0.02322.
gnomAD v4.1: 44,413 of 1,613,896 alleles (2.8%); highest among the groups gnomAD compares: Non-Finnish European, 3.2%; 704 homozygotes.

Submissions (3):

Illumina Laboratory Services, Illumina
Classification: Benign for Neuronopathy, distal hereditary motor, type 7B. Last evaluated: 2018-01-13. Review status: criteria provided, single submitter. Criteria: ICSL Variant Classification Criteria 13 December 2019. Collection method: clinical testing. Allele origin: germline.
Comment: This variant was observed in the ICSL laboratory as part of a predisposition screen in an ostensibly healthy population. It had not been previously curated by ICSL or reported in the Human Gene Mutation Database (HGMD: prior to June 1st, 2018), and was therefore a candidate for classification through an automated scoring system. Utilizing variant allele frequency, disease prevalence and penetrance estimates, and inheritance mode, an automated score was calculated to assess if this variant is too frequent to cause the disease. Based on the score and internal cut-off values, a variant classified as benign is not then subjected to further curation. The score for this variant resulted in a classification of benign for this disease.

Illumina Laboratory Services, Illumina
Classification: Benign for Perry syndrome. Last evaluated: 2018-01-13. Review status: criteria provided, single submitter. Criteria: ICSL Variant Classification Criteria 13 December 2019. Collection method: clinical testing. Allele origin: germline.
Comment: the same text as in the submission from Illumina Laboratory Services, Illumina above.

Breakthrough Genomics
Classification: Benign. Review status: criteria provided, single submitter. Criteria: ACMG Guidelines, 2015. Collection method: not provided. Allele origin: germline. Inheritance: Autosomal recessive inheritance. Affected: yes.

NM_004082.5(DCTN1):c.*21C>T

Gene: DCTN1 (dynactin subunit 1; minus strand). Cytogenetic location: 2p13.1.
Variant type: single nucleotide variant.
Coding change: c.*21C>T on transcript NM_004082.5 (MANE Select); 21 bases downstream of the stop codon, C replaced by T.
Molecular consequence: 3 prime UTR variant. On other transcripts: non-coding transcript variant (1).
Genome position (GRCh38, 1-based): chr2:74,361,478, G>A on the plus strand (C>T on the coding strand, the complement: DCTN1 is on the minus strand). VCF-style: chr2-74361478-G-A. GRCh37 (hg19) VCF-style: chr2-74588605-G-A.
Other names: c.*21C>T (NM_001135040.3, NM_001135041.3, NM_001190836.2 and 4 more transcripts).
Identifiers: ClinVar variation 337066 (VCV000337066.6), dbSNP rs11555696, ClinGen allele CA1721332.